The following is an entry in ClinVar:

NM_152703.5(SAMD9L):c.3326C>A (p.Ala1109Asp)

Gene: SAMD9L (sterile alpha motif domain containing 9 like; minus strand). Cytogenetic location: 7q21.2.
Variant type: single nucleotide variant.
Coding change: c.3326C>A on transcript NM_152703.5 (MANE Select); coding-DNA position 3326, C replaced by A.
Protein change: p.Ala1109Asp; replaces alanine 1109 with aspartic acid.
Molecular consequence: missense variant.
Genome position (GRCh38, 1-based): chr7:93,132,646, G>T on the plus strand (C>A on the coding strand, the complement: SAMD9L is on the minus strand). VCF-style: chr7-93132646-G-T. GRCh37 (hg19) VCF-style: chr7-92761959-G-T.
Other names: c.3326C>A, p.Ala1109Asp (NM_001303496.3, NM_001303497.3, NM_001303498.3 and 5 more transcripts); short protein forms A1109D.
Identifiers: ClinVar variation 3437135 (VCV003437135.1).

ClinVar aggregate classification (germline): Uncertain significance (1 of 4 stars; one submission).

Conditions:
Inborn genetic diseases. Identifiers: MedGen C0950123, MeSH D030342.

Submission:

Ambry Genetics
Classification: Uncertain significance for Inborn genetic diseases. Last evaluated: 2024-10-04. Review status: criteria provided, single submitter. Criteria: Ambry Variant Classification Scheme 2023. Collection method: clinical testing. Allele origin: germline.
Comment: The p.A1109D variant (also known as c.3326C>A), located in coding exon 1 of the SAMD9L gene, results from a C to A substitution at nucleotide position 3326. The alanine at codon 1109 is replaced by aspartic acid, an amino acid with dissimilar properties. This amino acid position is conserved. In addition, this alteration is predicted to be deleterious by in silico analysis. Based on the available evidence, the clinical significance of this variant remains unclear.